The following is an entry in ClinVar:

NM_001009944.3(PKD1):c.12251C>T (p.Pro4084Leu)

Gene: PKD1 (polycystin 1, transient receptor potential channel interacting; minus strand). Cytogenetic location: 16p13.3.
Variant type: single nucleotide variant.
Coding change: c.12251C>T on transcript NM_001009944.3 (MANE Select); coding-DNA position 12251, C replaced by T.
Protein change: p.Pro4084Leu; replaces proline 4084 with leucine.
Molecular consequence: missense variant.
Genome position (GRCh38, 1-based): chr16:2,090,478, G>A on the plus strand (C>T on the coding strand, the complement: PKD1 is on the minus strand). VCF-style: chr16-2090478-G-A. GRCh37 (hg19) VCF-style: chr16-2140479-G-A.
Other names: c.12248C>T, p.Pro4083Leu (NM_000296.4); c.12248C>T (NM_000296.3); short protein forms P4083L, P4084L.
Identifiers: ClinVar variation 2430781 (VCV002430781.2), dbSNP rs752697395, ClinGen allele CA7828706.

ClinVar aggregate classification (germline): Uncertain significance. Review status: criteria provided, multiple submitters, no conflicts (2 of 4 stars). 2 submissions from 2 submitters: Uncertain significance (2). Last evaluated 2025-06-03.

Conditions:
Inborn genetic diseases. Identifiers: MedGen C0950123, MeSH D030342.

Allele frequency attached by ClinVar (database versions not stated): gnomAD 0.00001.
gnomAD v4.1: 36 of 1,612,048 alleles (0.0022%); highest among the groups gnomAD compares: Admixed American, 0.042%; no homozygotes.

Submissions (2):

Ambry Genetics
Classification: Uncertain significance for Inborn genetic diseases. Last evaluated: 2025-06-03. Review status: criteria provided, single submitter. Criteria: Ambry Variant Classification Scheme 2023. Collection method: clinical testing. Allele origin: germline.

GeneDx
Classification: Uncertain significance. Last evaluated: 2022-08-19. Review status: criteria provided, single submitter. Criteria: GeneDx Variant Classification Process June 2021. Collection method: clinical testing. Allele origin: germline. Affected: yes.
Comment: In silico analysis supports that this missense variant has a deleterious effect on protein structure/function; Has not been previously published as pathogenic or benign to our knowledge